The following is an entry in ClinVar:

NM_000059.4(BRCA2):c.4163C>G (p.Thr1388Ser)

Gene: BRCA2 (BRCA2 DNA repair associated; plus strand). Cytogenetic location: 13q13.1.
Variant type: single nucleotide variant.
Coding change: c.4163C>G on transcript NM_000059.4 (MANE Select); coding-DNA position 4163, C replaced by G.
Protein change: p.Thr1388Ser; replaces threonine 1388 with serine.
Molecular consequence: missense variant.
Genome position (GRCh38, 1-based): chr13:32,338,518, C>G. VCF-style: chr13-32338518-C-G. GRCh37 (hg19) VCF-style: chr13-32912655-C-G.
Other names: c.4163C>G, p.Thr1388Ser (NM_001406719.1, NM_001406720.1); short protein forms T1388S.
Identifiers: ClinVar variation 1722140 (VCV001722140.7), dbSNP rs28897725, ClinGen allele CA387780049.

ClinVar aggregate classification (germline): Conflicting classifications of pathogenicity. Review status: criteria provided, conflicting classifications (1 of 4 stars). 2 submissions from 2 submitters: Uncertain significance (1); Likely benign (1). Last evaluated 2023-03-23.

Conditions:
Hereditary cancer-predisposing syndrome. Also called: Neoplastic Syndromes, Hereditary; Tumor predisposition; Hereditary neoplastic syndrome; Hereditary Cancer Syndrome. Identifiers: Orphanet 140162, MedGen C0027672, MeSH D009386, MONDO:0015356.
Hereditary breast ovarian cancer syndrome. Also called: BRCA1- and BRCA2-Associated Hereditary Breast and Ovarian Cancer; Hereditary breast and ovarian cancer syndrome (HBOC); Hereditary breast and ovarian cancer syndrome; Hereditary breast and ovarian cancer; Hereditary breast and/or ovarian cancer syndrome; Breast and ovarian cancer. Identifiers: Orphanet 145, MedGen C0677776, MeSH D061325, MONDO:0003582. Disease mechanism: loss of function.

gnomAD v4.1: 1 of 1,603,466 alleles (0.000062%); highest among the groups gnomAD compares: African/African-American, 0.0013%; no homozygotes.

Submissions (2):

University of Washington Department of Laboratory Medicine, University of Washington
Classification: Likely benign for Hereditary cancer-predisposing syndrome. Last evaluated: 2023-03-23. Review status: criteria provided, single submitter. Criteria: Dines et al. (Genet Med. 2020). Collection method: curation. Allele origin: germline.
Comment: Missense variant in a coldspot region where missense variants are very unlikely to be pathogenic (PMID:31911673).

BRCA2 exon 11 coldspot. Reclassification based on statistical prior probability.

Labcorp Genetics (formerly Invitae), Labcorp
Classification: Uncertain significance for Hereditary breast ovarian cancer syndrome. Last evaluated: 2022-10-25. Review status: criteria provided, single submitter. Criteria: Invitae Variant Classification Sherloc (09022015). Collection method: clinical testing. Allele origin: germline.
Comment: Advanced modeling of protein sequence and biophysical properties (such as structural, functional, and spatial information, amino acid conservation, physicochemical variation, residue mobility, and thermodynamic stability) performed at Invitae indicates that this missense variant is not expected to disrupt BRCA2 protein function. This variant has not been reported in the literature in individuals affected with BRCA2-related conditions. This variant is not present in population databases (gnomAD no frequency). This sequence change replaces threonine, which is neutral and polar, with serine, which is neutral and polar, at codon 1388 of the BRCA2 protein (p.Thr1388Ser). In summary, the available evidence is currently insufficient to determine the role of this variant in disease. Therefore, it has been classified as a Variant of Uncertain Significance.